The following is an entry in ClinVar:

ClinVar aggregate classification (germline): Conflicting classifications of pathogenicity. Review status: criteria provided, conflicting classifications (1 of 4 stars). 6 submissions from 6 submitters: Uncertain significance (1); Benign (1); Likely benign (4). Last evaluated 2025-12-22.

Conditions:
Hereditary cancer-predisposing syndrome. Also called: Hereditary neoplastic syndrome; Tumor predisposition; Neoplastic Syndromes, Hereditary; Hereditary Cancer Syndrome. Identifiers: Orphanet 140162, MedGen C0027672, MeSH D009386, MONDO:0015356.
Hereditary diffuse gastric adenocarcinoma (HDGC). Also called: DIFFUSE GASTRIC AND LOBULAR BREAST CANCER SYNDROME. Identifiers: Orphanet 26106, MedGen C1708349, MONDO:0007648, OMIM 137215.

Allele frequency attached by ClinVar (database versions not stated): gnomAD exomes below 0.00001; TOPMed below 0.00001; gnomAD 0.00001.
gnomAD v4.1: 5 of 1,549,656 alleles (0.00032%); highest among the groups gnomAD compares: African/African-American, 0.0068%; no homozygotes.

Submissions (6):

Labcorp Genetics (formerly Invitae), Labcorp
Classification: Likely benign for Hereditary diffuse gastric adenocarcinoma. Last evaluated: 2025-12-22. Review status: criteria provided, single submitter. Criteria: Invitae Variant Classification Sherloc (09022015). Collection method: clinical testing. Allele origin: germline.

Myriad Genetics, Inc.
Classification: Benign for Hereditary diffuse gastric adenocarcinoma. Last evaluated: 2024-09-11. Review status: criteria provided, single submitter. Criteria: Myriad Autosomal Dominant, Autosomal Recessive and X-Linked Classification Criteria (2023). Collection method: clinical testing. Allele origin: unknown.
Comment: This variant is considered benign. This variant is a silent/synonymous amino acid change and it is not expected to impact splicing.

Color Diagnostics, LLC DBA Color Health
Classification: Likely benign for Hereditary cancer-predisposing syndrome. Last evaluated: 2022-08-29. Review status: criteria provided, single submitter. Criteria: ACMG Guidelines, 2015. Collection method: clinical testing. Allele origin: germline.

Sema4
Classification: Uncertain significance for Hereditary cancer-predisposing syndrome. Last evaluated: 2021-08-04. Review status: criteria provided, single submitter. Criteria: Sema4 Curation Guidelines. Collection method: curation. Allele origin: germline.
Comment: The CDH1 c.147C>T (p.G49=) variant has not been reported in the literature to our knowledge. It was not observed in the large and broad cohorts of the Genome Aggregation Database but has been reported in ClinVar (Variation ID 383343). In silico tools suggest the variant may create a cryptic donor splice site, though these predictions have not been confirmed by functional studies. The evidence is insufficient to meet ACMG/AMP criteria for classifying the variant as benign or pathogenic. Thus, the clinical significance of this variant is currently uncertain.

GeneDx
Classification: Likely benign. Last evaluated: 2020-11-19. Review status: criteria provided, single submitter. Criteria: GeneDx Variant Classification Process June 2021. Collection method: clinical testing. Allele origin: germline. Affected: yes.

Ambry Genetics
Classification: Likely benign for Hereditary cancer-predisposing syndrome. Last evaluated: 2019-02-22. Review status: criteria provided, single submitter. Criteria: Ambry Variant Classification Scheme 2023. Collection method: clinical testing. Allele origin: germline.

NM_004360.5(CDH1):c.147C>T (p.Gly49=)

Gene: CDH1 (cadherin 1; plus strand). Cytogenetic location: 16q22.1.
Variant type: single nucleotide variant.
Coding change: c.147C>T on transcript NM_004360.5 (MANE Select); coding-DNA position 147, C replaced by T.
Protein change: p.Gly49=; no amino-acid change (glycine 49 retained).
Molecular consequence: synonymous variant. On other transcripts: 5 prime UTR variant (2).
Genome position (GRCh38, 1-based): chr16:68,738,395, C>T. VCF-style: chr16-68738395-C-T. GRCh37 (hg19) VCF-style: chr16-68772298-C-T.
Other names: c.147C>T (LRG_301t1); c.147C>T, p.Gly49= (NM_001317184.2); c.-1469C>T (NM_001317185.2); c.-1673C>T (NM_001317186.2).
Identifiers: ClinVar variation 383343 (VCV000383343.20), dbSNP rs1057521592, ClinGen allele CA16607335.